The following is an entry in ClinVar:

NM_003106.4(SOX2):c.235T>C (p.Trp79Arg)

Genes: SOX2 (SRY-box transcription factor 2; plus strand), SOX2-OT (SOX2 overlapping transcript; plus strand), LOC108281177 (SOX2 5' regulatory region; plus strand). Cytogenetic location: 3q26.33.
Variant type: single nucleotide variant.
Coding change: c.235T>C on transcript NM_003106.4 (MANE Select); coding-DNA position 235, T replaced by C.
Protein change: p.Trp79Arg; replaces tryptophan 79 with arginine.
Molecular consequence: missense variant.
Genome position (GRCh38, 1-based): chr3:181,712,595, T>C. VCF-style: chr3-181712595-T-C. GRCh37 (hg19) VCF-style: chr3-181430383-T-C.
Other names: short protein forms W79R.
Identifiers: ClinVar variation 4996071 (VCV004996071.1).

ClinVar aggregate classification (germline): Uncertain significance (1 of 4 stars; one submission).

Conditions:
SOX2-related disorder. Also called: SOX2-related condition.

Submission:

PreventionGenetics, part of Exact Sciences
Classification: Uncertain significance for SOX2-related condition. Last evaluated: 2026-01-16. Review status: criteria provided, single submitter. Criteria: ACMG Guidelines, 2015. Collection method: clinical testing. Allele origin: germline.
Comment: The SOX2 c.235T>C variant is predicted to result in the amino acid substitution p.Trp79Arg. This variant has been reported in an individual with microphthalmia and gonadotropin deficiency (Suzuki et al. 2014. PubMed ID: 24804704). This variant has not been reported in a large population database (gnomAD), indicating it is rare. In vitro experimental studies suggest it impacts protein function (Suzuki et al. 2014. PubMed ID: 24804704). Another missense variant affecting the same amino acid (p.Trp79Ser) has been reported de novo in an individual with anophthalmia (Chassaing et al. 2014. PubMed ID: 24033328). At this time, the clinical significance of this variant is uncertain due to the absence of conclusive functional and genetic evidence.